The following is an entry in ClinVar:

ClinVar aggregate classification (germline): Pathogenic (1 of 4 stars; one submission).

Submission:

Labcorp Genetics (formerly Invitae), Labcorp
Classification: Pathogenic. Last evaluated: 2025-04-01. Review status: criteria provided, single submitter. Criteria: Invitae Variant Classification Sherloc (09022015). Collection method: clinical testing. Allele origin: germline.
Comment: This sequence change creates a premature translational stop signal (p.Arg647Valfs*62) in the ERCC2 gene. It is expected to result in an absent or disrupted protein product. Loss-of-function variants in ERCC2 are known to be pathogenic (PMID: 9238033, 11335038, 19085937, 19934020). This variant is not present in population databases (gnomAD no frequency). This variant has not been reported in the literature in individuals affected with ERCC2-related conditions. For these reasons, this variant has been classified as Pathogenic.

Literature cited by the submitters: PubMed 9238033; PubMed 11335038; PubMed 19085937; PubMed 19934020.

NM_000400.4(ERCC2):c.1939del (p.Arg647fs)

Gene: ERCC2 (ERCC excision repair 2, TFIIH core complex helicase subunit; minus strand). Cytogenetic location: 19q13.32.
Variant type: Deletion.
Coding change: c.1939del on transcript NM_000400.4 (MANE Select); coding-DNA position 1939, one base deleted (C; older notation c.1939delC).
Protein change: p.Arg647fs; shifts the reading frame from arginine 647.
Molecular consequence: frameshift variant. On other transcripts: non-coding transcript variant (3).
Genome position (GRCh38, 1-based): chr19:45,352,613, G deleted on the plus strand (C on the coding strand, the reverse complement: ERCC2 is on the minus strand). VCF-style (leftmost placement, unchanged base first): chr19-45352612-CG-C. GRCh37 (hg19) VCF-style: chr19-45855870-CG-C.
Other names: c.1867del, p.Arg623fs (NM_001440355.1); c.1861del, p.Arg621fs (NM_001440356.1); c.1816del, p.Arg606fs (NM_001440357.1); short protein forms R606fs, R621fs, R623fs, R647fs.
Identifiers: ClinVar variation 4716518 (VCV004716518.1).